The following is an entry in ClinVar:

ClinVar aggregate classification (germline): Uncertain significance (1 of 4 stars; one submission).

Submission:

GeneDx
Classification: Uncertain significance. Last evaluated: 2022-06-11. Review status: criteria provided, single submitter. Criteria: GeneDx Variant Classification Process June 2021. Collection method: clinical testing. Allele origin: germline. Affected: yes.
Comment: Nonsense variant predicted to result in protein truncation or nonsense mediated decay in a gene or region of a gene for which loss of function is not a well-established mechanism of disease; Not observed at significant frequency in large population cohorts (gnomAD); Has not been previously published as pathogenic or benign to our knowledge

NM_013245.3(VPS4A):c.901C>T (p.Gln301Ter)

Gene: VPS4A (vacuolar protein sorting 4 homolog A; plus strand). Cytogenetic location: 16q22.1.
Variant type: single nucleotide variant.
Coding change: c.901C>T on transcript NM_013245.3 (MANE Select); coding-DNA position 901, C replaced by T.
Protein change: p.Gln301Ter; replaces glutamine 301 with a stop codon.
Molecular consequence: nonsense.
Genome position (GRCh38, 1-based): chr16:69,321,100, C>T. VCF-style: chr16-69321100-C-T. GRCh37 (hg19) VCF-style: chr16-69355003-C-T.
Other names: short protein forms Q301*.
Identifiers: ClinVar variation 1806543 (VCV001806543.1), dbSNP rs2544553189, ClinGen allele CA396472387.